The following is an entry in ClinVar:

NM_030773.4(TUBB1):c.1171del (p.Arg391fs)

Gene: TUBB1 (tubulin beta 1 class VI; plus strand). Cytogenetic location: 20q13.32.
Variant type: Deletion.
Coding change: c.1171del on transcript NM_030773.4 (MANE Select); coding-DNA position 1171, one base deleted (A; older notation c.1171delA).
Protein change: p.Arg391fs; shifts the reading frame from arginine 391.
Molecular consequence: frameshift variant.
Genome position (GRCh38, 1-based): chr20:59,024,598, A deleted; the last of 4 consecutive A bases (chr20:59,024,595-59,024,598); deleting any one gives the same sequence. VCF-style (leftmost placement, unchanged base first): chr20-59024594-CA-C. GRCh37 (hg19) VCF-style: chr20-57599649-CA-C.
Other names: p.Arg391Glyfs*15; c.1171del (NM_030773.3); c.1171delA, p.Arg391Glyfs (NM_030773.3); short protein forms R391fs.
Identifiers: ClinVar variation 3701200 (VCV003701200.5).

ClinVar aggregate classification (germline): Uncertain significance. Review status: criteria provided, multiple submitters, no conflicts (2 of 4 stars). 3 submissions from 3 submitters: Uncertain significance (3). Last evaluated 2025-01-30.

Submissions (3):

Labcorp Genetics (formerly Invitae), Labcorp
Classification: Uncertain significance. Last evaluated: 2025-01-30. Review status: criteria provided, single submitter. Criteria: Invitae Variant Classification Sherloc (09022015). Collection method: clinical testing. Allele origin: germline.
Comment: This sequence change creates a premature translational stop signal (p.Arg391Glyfs*15) in the TUBB1 gene. While this is not anticipated to result in nonsense mediated decay, it is expected to disrupt the last 61 amino acid(s) of the TUBB1 protein. This variant is present in population databases (rs763470972, gnomAD 0.05%). This variant has not been reported in the literature in individuals affected with TUBB1-related conditions. In summary, the available evidence is currently insufficient to determine the role of this variant in disease. Therefore, it has been classified as a Variant of Uncertain Significance.

Mayo Clinic Laboratories, Mayo Clinic
Classification: Uncertain significance. Last evaluated: 2024-12-03. Review status: criteria provided, single submitter. Criteria: ACMG Guidelines, 2015. Collection method: clinical testing. Allele origin: germline. Observed: 1 variant allele.
Comment: PM2_supporting, PVS1_strong

Genetic Services Laboratory, University of Chicago
Classification: Uncertain significance. Last evaluated: 2023-05-17. Review status: criteria provided, single submitter. Criteria: ACMG Guidelines, 2015. Collection method: clinical testing. Allele origin: germline. Affected: no.
Comment: DNA sequence analysis of the TUBB1 gene demonstrated a single base pair deletion in exon 4, c.1171del. This sequence change results in an amino acid frameshift and creates a premature stop codon 14 amino acids downstream of the change, p.Arg391Glyfs*15. This sequence change is predicted to result in an abnormal transcript, which may be degraded, or may lead to the production of a truncated TUBB1 protein with potentially abnormal function. This sequence change has been described in the gnomAD database with a frequency of 0.002% in the overall population (dbSNP rs763470972). While this sequence change has not previously been described in the literature, other truncating variants in the TUBB1 gene have been described in individuals with TUBB1-related platelet disorders (PMID: 27905099, 31064749). Due to insufficient evidence and lack of additional studies that conclusively demonstrate the effect of this variant on protein function, the clinical significance of the p.Arg391Glyfs*15 change remains unknown at this time.

Literature cited by the submitters: PubMed 34516618 (cited by Mayo Clinic Laboratories, Mayo Clinic).